The following is an entry in ClinVar:

ClinVar aggregate classification (germline): Uncertain significance (1 of 4 stars; one submission).

Conditions:
Inborn genetic diseases. Identifiers: MedGen C0950123, MeSH D030342.

Submission:

Ambry Genetics
Classification: Uncertain significance for Inborn genetic diseases. Last evaluated: 2024-08-22. Review status: criteria provided, single submitter. Criteria: Ambry Variant Classification Scheme 2023. Collection method: clinical testing. Allele origin: germline.
Comment: The p.L1707F variant (also known as c.5119C>T), located in coding exon 29 of the ATR gene, results from a C to T substitution at nucleotide position 5119. The leucine at codon 1707 is replaced by phenylalanine, an amino acid with highly similar properties. This amino acid position is conserved. In addition, the in silico prediction for this alteration is inconclusive. Based on the available evidence, the clinical significance of this variant remains unclear.

NM_001184.4(ATR):c.5119C>T (p.Leu1707Phe)

Gene: ATR (ATR serine/threonine kinase; minus strand). Cytogenetic location: 3q23.
Variant type: single nucleotide variant.
Coding change: c.5119C>T on transcript NM_001184.4 (MANE Select); coding-DNA position 5119, C replaced by T.
Protein change: p.Leu1707Phe; replaces leucine 1707 with phenylalanine.
Molecular consequence: missense variant.
Genome position (GRCh38, 1-based): chr3:142,505,216, G>A on the plus strand (C>T on the coding strand, the complement: ATR is on the minus strand). VCF-style: chr3-142505216-G-A. GRCh37 (hg19) VCF-style: chr3-142224058-G-A.
Other names: c.4927C>T, p.Leu1643Phe (NM_001354579.2); short protein forms L1707F, L1643F.
Identifiers: ClinVar variation 3461776 (VCV003461776.1).